The following is an entry in ClinVar:

NM_000548.5(TSC2):c.1806C>G (p.Tyr602Ter)

Gene: TSC2 (TSC complex subunit 2; plus strand). Cytogenetic location: 16p13.3.
Variant type: single nucleotide variant.
Coding change: c.1806C>G on transcript NM_000548.5 (MANE Select); coding-DNA position 1806, C replaced by G.
Protein change: p.Tyr602Ter; replaces tyrosine 602 with a stop codon.
Molecular consequence: nonsense.
Genome position (GRCh38, 1-based): chr16:2,070,545, C>G. VCF-style: chr16-2070545-C-G. GRCh37 (hg19) VCF-style: chr16-2120546-C-G.
Other names: c.1806C>G, p.Tyr602Ter (NM_001077183.3, NM_001114382.3, NM_001363528.2 and 3 more transcripts); c.1695C>G, p.Tyr565Ter (NM_001318827.2); c.1659C>G, p.Tyr553Ter (NM_001318829.2); c.1206C>G, p.Tyr402Ter (NM_001318831.2); c.1839C>G, p.Tyr613Ter (NM_001318832.2); short protein forms Y602*, Y553*, Y565*, Y613*, Y402*.
Identifiers: ClinVar variation 424291 (VCV000424291.2), dbSNP rs367553206, ClinGen allele CA16620089.
Genomic context (GRCh38, chr16:2,070,545, plus strand): 5'-CGCCACGCGTGTGTATGAGATGCTGGTCAGCCACATTCAGCTCCACTACAAGCACAGCTA[C>G]ACCCTGCCAATCGCGAGCAGCATCCGGCTGCAGGTATGGTGGCTGGGGTTGCGCAGCCAG-3'

ClinVar aggregate classification (germline): Pathogenic (1 of 4 stars; one submission).

Submission:

GeneDx
Classification: Pathogenic. Last evaluated: 2017-03-14. Review status: criteria provided, single submitter. Criteria: GeneDx Variant Classification (06012015). Collection method: clinical testing. Allele origin: germline. Affected: yes.
Comment: The Y602X nonsense variant in the TSC2 gene is predicted to cause loss of normal protein function either through protein truncation or nonsense-mediated mRNA decay. The Y602X variant is not observed in large population cohorts (Lek et al., 2016; 1000 Genomes Consortium et al., 2015; Exome Variant Server).